The following is an entry in ClinVar:

NM_152703.5(SAMD9L):c.4303T>C (p.Trp1435Arg)

Gene: SAMD9L (sterile alpha motif domain containing 9 like; minus strand). Cytogenetic location: 7q21.2.
Variant type: single nucleotide variant.
Coding change: c.4303T>C on transcript NM_152703.5 (MANE Select); coding-DNA position 4303, T replaced by C.
Protein change: p.Trp1435Arg; replaces tryptophan 1435 with arginine.
Molecular consequence: missense variant.
Genome position (GRCh38, 1-based): chr7:93,131,669, A>G on the plus strand (T>C on the coding strand, the complement: SAMD9L is on the minus strand). VCF-style: chr7-93131669-A-G. GRCh37 (hg19) VCF-style: chr7-92760982-A-G.
Other names: c.4303T>C, p.Trp1435Arg (NM_001303496.3, NM_001303497.3, NM_001303498.3 and 5 more transcripts); short protein forms W1435R.
Identifiers: ClinVar variation 1809814 (VCV001809814.4), dbSNP rs746478106, ClinGen allele CA4343327.

ClinVar aggregate classification (germline): Uncertain significance. Review status: criteria provided, multiple submitters, no conflicts (2 of 4 stars). 2 submissions from 2 submitters: Uncertain significance (2). Last evaluated 2023-02-22.

Allele frequency attached by ClinVar (database versions not stated): gnomAD exomes below 0.00001; TOPMed 0.00001; ExAC 0.00002.

Submissions (2):

Labcorp Genetics (formerly Invitae), Labcorp
Classification: Uncertain significance. Last evaluated: 2023-02-22. Review status: criteria provided, single submitter. Criteria: Invitae Variant Classification Sherloc (09022015). Collection method: clinical testing. Allele origin: germline.
Comment: In summary, the available evidence is currently insufficient to determine the role of this variant in disease. Therefore, it has been classified as a Variant of Uncertain Significance. Advanced modeling of protein sequence and biophysical properties (such as structural, functional, and spatial information, amino acid conservation, physicochemical variation, residue mobility, and thermodynamic stability) performed at Invitae indicates that this missense variant is expected to disrupt SAMD9L protein function. ClinVar contains an entry for this variant (Variation ID: 1809814). This variant has not been reported in the literature in individuals affected with SAMD9L-related conditions. This variant is present in population databases (rs746478106, gnomAD 0.02%). This sequence change replaces tryptophan, which is neutral and slightly polar, with arginine, which is basic and polar, at codon 1435 of the SAMD9L protein (p.Trp1435Arg).

GeneDx
Classification: Uncertain significance. Last evaluated: 2022-06-30. Review status: criteria provided, single submitter. Criteria: GeneDx Variant Classification Process June 2021. Collection method: clinical testing. Allele origin: germline. Affected: yes.
Comment: Not observed at significant frequency in large population cohorts (gnomAD); In silico analysis supports that this missense variant has a deleterious effect on protein structure/function; Has not been previously published as pathogenic or benign to our knowledge